The following is an entry in ClinVar:

ClinVar aggregate classification (germline): Uncertain significance (1 of 4 stars; one submission).

Conditions:
Haddad syndrome (OHD). Also called: Ondine-Hirschsprung disease. Identifiers: Orphanet 99803, MedGen C1859049, MONDO:0020493.

Submission:

Labcorp Genetics (formerly Invitae), Labcorp
Classification: Uncertain significance for Haddad syndrome. Last evaluated: 2023-09-26. Review status: criteria provided, single submitter. Criteria: Invitae Variant Classification Sherloc (09022015). Collection method: clinical testing. Allele origin: germline.
Comment: This variant, c.636_641dup, results in the insertion of 2 amino acid(s) of the PHOX2B protein (p.Gly216_Gly217dup), but otherwise preserves the integrity of the reading frame. This variant is not present in population databases (gnomAD no frequency). This variant has not been reported in the literature in individuals affected with PHOX2B-related conditions. ClinVar contains an entry for this variant (Variation ID: 467733). Experimental studies and prediction algorithms are not available or were not evaluated, and the functional significance of this variant is currently unknown. In summary, the available evidence is currently insufficient to determine the role of this variant in disease. Therefore, it has been classified as a Variant of Uncertain Significance.

NM_003924.4(PHOX2B):c.636_641dup (p.Gly216_Gly217dup)

Gene: PHOX2B (paired like homeobox 2B; minus strand). Cytogenetic location: 4p13.
Variant type: Duplication.
Coding change: c.636_641dup on transcript NM_003924.4 (MANE Select); coding-DNA positions 636 to 641, 6 bases duplicated (AGGCGG; older notation c.636_641dupAGGCGG).
Protein change: p.Gly216_Gly217dup.
Molecular consequence: inframe insertion.
Genome position (GRCh38, 1-based): chr4:41,746,111-41,746,116, CCGCCT duplicated on the plus strand (AGGCGG on the coding strand, the reverse complement: PHOX2B is on the minus strand); duplicating any 6 consecutive bases within chr4:41,746,111-41,746,118 gives the same sequence; the c. name uses the placement nearest the transcript's 3' end. VCF-style (leftmost placement, unchanged base first): chr4-41746110-G-GCCGCCT. GRCh37 (hg19) VCF-style: chr4-41748127-G-GCCGCCT.
Other names: c.636_641dupAGGCGG (NM_003924.3).
Identifiers: ClinVar variation 467733 (VCV000467733.10), dbSNP rs1553897847, ClinGen allele CA658657381.